The following is an entry in ClinVar:

ClinVar aggregate classification (germline): Uncertain significance (1 of 4 stars; one submission).

gnomAD v4.1: 3 of 1,613,072 alleles (0.00019%); highest among the groups gnomAD compares: Non-Finnish European, 0.00025%; no homozygotes.

Submission:

Labcorp Genetics (formerly Invitae), Labcorp
Classification: Uncertain significance. Last evaluated: 2024-11-11. Review status: criteria provided, single submitter. Criteria: Invitae Variant Classification Sherloc (09022015). Collection method: clinical testing. Allele origin: germline.
Comment: This sequence change replaces glutamic acid, which is acidic and polar, with glutamine, which is neutral and polar, at codon 44 of the NDUFB10 protein (p.Glu44Gln). This variant also falls at the last nucleotide of exon 1, which is part of the consensus splice site for this exon. This variant is not present in population databases (gnomAD no frequency). This variant has not been reported in the literature in individuals affected with NDUFB10-related conditions. ClinVar contains an entry for this variant (Variation ID: 2867880). An algorithm developed to predict the effect of missense changes on protein structure and function (PolyPhen-2) suggests that this variant is likely to be disruptive. Variants that disrupt the consensus splice site are a relatively common cause of aberrant splicing (PMID: 17576681, 9536098). Algorithms developed to predict the effect of sequence changes on RNA splicing suggest that this variant may disrupt the consensus splice site. In summary, the available evidence is currently insufficient to determine the role of this variant in disease. Therefore, it has been classified as a Variant of Uncertain Significance.

Literature cited by the submitters: PubMed 17576681; PubMed 9536098.

NM_004548.3(NDUFB10):c.130G>C (p.Glu44Gln)

Gene: NDUFB10 (NADH:ubiquinone oxidoreductase subunit B10; plus strand). Cytogenetic location: 16p13.3.
Variant type: single nucleotide variant.
Coding change: c.130G>C on transcript NM_004548.3 (MANE Select); coding-DNA position 130, G replaced by C.
Protein change: p.Glu44Gln; replaces glutamic acid 44 with glutamine.
Molecular consequence: missense variant.
Genome position (GRCh38, 1-based): chr16:1,959,754, G>C. VCF-style: chr16-1959754-G-C. GRCh37 (hg19) VCF-style: chr16-2009755-G-C.
Other names: short protein forms E44Q.
Identifiers: ClinVar variation 2867880 (VCV002867880.3), dbSNP rs2548243416, ClinGen allele CA394262200.
Genomic context (GRCh38, chr16:1,959,754, plus strand): 5'-ATCGTCTACATGATGAAAGCGTTCGACCTCATCGTGGACCGACCCGTGACCCTCGTGAGA[G>C]GTACGAAGCCCCAGCCCGGGGCTCCCTCGCCGGCCTCTGGGGACCCCTGGATCCCACACC-3'
Protein context (NP_004539.1, residues 34-54): IVDRPVTLVR[Glu44Gln]FIERQHAKNR